The following is an entry in ClinVar:

ClinVar aggregate classification (germline): Pathogenic (1 of 4 stars; one submission).

Submission:

Labcorp Genetics (formerly Invitae), Labcorp
Classification: Pathogenic. Last evaluated: 2025-04-22. Review status: criteria provided, single submitter. Criteria: Invitae Variant Classification Sherloc (09022015). Collection method: clinical testing. Allele origin: germline.
Comment: This sequence change creates a premature translational stop signal (p.Gln771*) in the RP1 gene. While this is not anticipated to result in nonsense mediated decay, it is expected to disrupt the last 1386 amino acid(s) of the RP1 protein. This variant is not present in population databases (gnomAD no frequency). This variant has not been reported in the literature in individuals affected with RP1-related conditions. This variant disrupts the C-terminus of the RP1 protein. Many variants that disrupt this region have been reported in individuals with either autosomal dominant or autosomal recessive retinitis pigmentosa (PMID: 11527933, 19933189, 29425069, 30027431, 33681214). Therefore, variants that disrupt this region are expected to be disease-causing. For these reasons, this variant has been classified as Pathogenic.

Literature cited by the submitters: PubMed 11527933; PubMed 19933189; PubMed 29425069; PubMed 30027431; PubMed 33681214.

NM_006269.2(RP1):c.2311C>T (p.Gln771Ter)

Gene: RP1 (RP1 axonemal microtubule associated; plus strand). Cytogenetic location: 8q12.1.
Variant type: single nucleotide variant.
Coding change: c.2311C>T on transcript NM_006269.2 (MANE Select); coding-DNA position 2311, C replaced by T.
Protein change: p.Gln771Ter; replaces glutamine 771 with a stop codon.
Molecular consequence: nonsense. On other transcripts: intron variant (1).
Genome position (GRCh38, 1-based): chr8:54,626,193, C>T. VCF-style: chr8-54626193-C-T. GRCh37 (hg19) VCF-style: chr8-55538753-C-T.
Other names: c.787+3905C>T (NM_001375654.1); short protein forms Q771*.
Identifiers: ClinVar variation 4807778 (VCV004807778.1).